The following is an entry in ClinVar:

ClinVar aggregate classification (germline): Uncertain significance (1 of 4 stars; one submission).

Conditions:
Carnitine palmitoyltransferase II deficiency. Also called: Carnitine Palmitoyltransferase 2 Deficiency. Identifiers: Orphanet 157, MedGen C0342790, MONDO:0015515.

Allele frequency attached by ClinVar (database versions not stated): gnomAD exomes below 0.00001; TOPMed below 0.00001.
gnomAD v4.1: 1 of 1,614,222 alleles (0.000062%); highest among the groups gnomAD compares: Admixed American, 0.0017%; no homozygotes.

Submission:

Labcorp Genetics (formerly Invitae), Labcorp
Classification: Uncertain significance for Carnitine palmitoyltransferase II deficiency. Last evaluated: 2022-08-05. Review status: criteria provided, single submitter. Criteria: Invitae Variant Classification Sherloc (09022015). Collection method: clinical testing. Allele origin: germline.
Comment: This sequence change replaces proline, which is neutral and non-polar, with serine, which is neutral and polar, at codon 595 of the CPT2 protein (p.Pro595Ser). This variant is not present in population databases (gnomAD no frequency). This variant has not been reported in the literature in individuals affected with CPT2-related conditions. Advanced modeling of protein sequence and biophysical properties (such as structural, functional, and spatial information, amino acid conservation, physicochemical variation, residue mobility, and thermodynamic stability) performed at Invitae indicates that this missense variant is not expected to disrupt CPT2 protein function. In summary, the available evidence is currently insufficient to determine the role of this variant in disease. Therefore, it has been classified as a Variant of Uncertain Significance.

NM_000098.3(CPT2):c.1783C>T (p.Pro595Ser)

Gene: CPT2 (carnitine palmitoyltransferase 2; plus strand). Cytogenetic location: 1p32.3.
Variant type: single nucleotide variant.
Coding change: c.1783C>T on transcript NM_000098.3 (MANE Select); coding-DNA position 1783, C replaced by T.
Protein change: p.Pro595Ser; replaces proline 595 with serine.
Molecular consequence: missense variant.
Genome position (GRCh38, 1-based): chr1:53,213,401, C>T. VCF-style: chr1-53213401-C-T. GRCh37 (hg19) VCF-style: chr1-53679073-C-T.
Other names: c.1714C>T, p.Pro572Ser (NM_001330589.2); short protein forms P595S, P572S.
Identifiers: ClinVar variation 2166695 (VCV002166695.1), dbSNP rs1319399429, ClinGen allele CA340397647.